The following is an entry in ClinVar:

ClinVar aggregate classification (germline): Pathogenic (1 of 4 stars; one submission).

Conditions:
Hyper-IgE recurrent infection syndrome 3, autosomal recessive. Also called: Autosomal recessive hyper-IgE syndrome due to ZNF341 deficiency; HYPER-IgE SYNDROME 3, AUTOSOMAL RECESSIVE, WITH RECURRENT INFECTIONS. Identifiers: Orphanet 641368, MedGen C4748969, MONDO:0032654, OMIM 618282.

Submission:

Labcorp Genetics (formerly Invitae), Labcorp
Classification: Pathogenic for Combined immunodeficiency due to DOCK8 deficiency. Last evaluated: 2022-03-14. Review status: criteria provided, single submitter. Criteria: Invitae Variant Classification Sherloc (09022015). Collection method: clinical testing. Allele origin: germline.
Comment: For these reasons, this variant has been classified as Pathogenic. This variant has not been reported in the literature in individuals affected with DOCK8-related conditions. This variant is a gross deletion of the genomic region encompassing exon(s) 5-29 of the DOCK8 gene. This deletion is out-of-frame, and is expected to create a premature termination codon and result in an absent or disrupted protein product. Loss-of-function variants in DOCK8 are known to be pathogenic (PMID: 14722525, 19776401).

Literature cited by the submitters: PubMed 14722525; PubMed 19776401.

NC_000009.11:g.(?_304561)_(414971_?)del

Gene: DOCK8 (dedicator of cytokinesis 8; plus strand). Cytogenetic location: 9p24.3.
Variant type: Deletion.
Identifiers: ClinVar variation 2427703 (VCV002427703.8).